The following is an entry in ClinVar:

NM_000059.4(BRCA2):c.3991T>A (p.Ser1331Thr)

Gene: BRCA2 (BRCA2 DNA repair associated; plus strand). Cytogenetic location: 13q13.1.
Variant type: single nucleotide variant.
Coding change: c.3991T>A on transcript NM_000059.4 (MANE Select); coding-DNA position 3991, T replaced by A.
Protein change: p.Ser1331Thr; replaces serine 1331 with threonine.
Molecular consequence: missense variant.
Genome position (GRCh38, 1-based): chr13:32,338,346, T>A. VCF-style: chr13-32338346-T-A. GRCh37 (hg19) VCF-style: chr13-32912483-T-A.
Other names: short protein forms S1331T.
Identifiers: ClinVar variation 1383433 (VCV001383433.9), dbSNP rs2137501854, ClinGen allele CA387778974.

ClinVar aggregate classification (germline): Conflicting classifications of pathogenicity. Review status: criteria provided, conflicting classifications (1 of 4 stars). 2 submissions from 2 submitters: Uncertain significance (1); Likely benign (1). Last evaluated 2023-03-23.

Conditions:
Hereditary cancer-predisposing syndrome. Also called: Tumor predisposition; Neoplastic Syndromes, Hereditary; Hereditary Cancer Syndrome; Hereditary neoplastic syndrome. Identifiers: Orphanet 140162, MedGen C0027672, MeSH D009386, MONDO:0015356.
Hereditary breast ovarian cancer syndrome. Also called: Hereditary breast and ovarian cancer syndrome (HBOC); Breast and ovarian cancer; BRCA1- and BRCA2-Associated Hereditary Breast and Ovarian Cancer; Hereditary breast and ovarian cancer; Hereditary breast and ovarian cancer syndrome; Hereditary breast and/or ovarian cancer syndrome. Identifiers: Orphanet 145, MedGen C0677776, MeSH D061325, MONDO:0003582. Disease mechanism: loss of function.

Submissions (2):

University of Washington Department of Laboratory Medicine, University of Washington
Classification: Likely benign for Hereditary cancer-predisposing syndrome. Last evaluated: 2023-03-23. Review status: criteria provided, single submitter. Criteria: Dines et al. (Genet Med. 2020). Collection method: curation. Allele origin: germline.
Comment: Missense variant in a coldspot region where missense variants are very unlikely to be pathogenic (PMID:31911673).

BRCA2 exon 11 coldspot. Reclassification based on statistical prior probability.

Labcorp Genetics (formerly Invitae), Labcorp
Classification: Uncertain significance for Hereditary breast ovarian cancer syndrome. Last evaluated: 2022-08-16. Review status: criteria provided, single submitter. Criteria: Invitae Variant Classification Sherloc (09022015). Collection method: clinical testing. Allele origin: germline.
Comment: In summary, the available evidence is currently insufficient to determine the role of this variant in disease. Therefore, it has been classified as a Variant of Uncertain Significance. Advanced modeling of protein sequence and biophysical properties (such as structural, functional, and spatial information, amino acid conservation, physicochemical variation, residue mobility, and thermodynamic stability) performed at Invitae indicates that this missense variant is not expected to disrupt BRCA2 protein function. ClinVar contains an entry for this variant (Variation ID: 1383433). This variant has not been reported in the literature in individuals affected with BRCA2-related conditions. This variant is not present in population databases (gnomAD no frequency). This sequence change replaces serine, which is neutral and polar, with threonine, which is neutral and polar, at codon 1331 of the BRCA2 protein (p.Ser1331Thr).